The following is an entry in ClinVar:

NM_000135.4(FANCA):c.4339G>A (p.Asp1447Asn)

Genes: FANCA (FA complementation group A; minus strand), ZNF276 (zinc finger protein 276; plus strand). Cytogenetic location: 16q24.3.
Variant type: single nucleotide variant.
Coding change: c.4339G>A on transcript NM_000135.4 (MANE Select); coding-DNA position 4339, G replaced by A.
Protein change: p.Asp1447Asn; replaces aspartic acid 1447 with asparagine.
Molecular consequence: missense variant. On other transcripts: 3 prime UTR variant (3), non-coding transcript variant (4).
Genome position (GRCh38, 1-based): chr16:89,738,630, C>T on the plus strand (G>A on the coding strand, the complement: FANCA is on the minus strand). VCF-style: chr16-89738630-C-T. GRCh37 (hg19) VCF-style: chr16-89805038-C-T.
Other names: c.*68G>A (NM_001286167.3); c.*384C>T (NM_001113525.2, NM_152287.4); short protein forms D1447N.
Identifiers: ClinVar variation 4254300 (VCV004254300.1).

ClinVar aggregate classification (germline): Uncertain significance (1 of 4 stars; one submission).

Conditions:
Inborn genetic diseases. Identifiers: MedGen C0950123, MeSH D030342.

Submission:

Ambry Genetics
Classification: Uncertain significance for Inborn genetic diseases. Last evaluated: 2025-08-20. Review status: criteria provided, single submitter. Criteria: Ambry Variant Classification Scheme 2023. Collection method: clinical testing. Allele origin: germline.
Comment: The p.D1447N variant (also known as c.4339G>A), located in coding exon 43 of the FANCA gene, results from a G to A substitution at nucleotide position 4339. The aspartic acid at codon 1447 is replaced by asparagine, an amino acid with highly similar properties. This amino acid position is conserved. In addition, this alteration is predicted to be tolerated by in silico analysis. Based on the available evidence, the clinical significance of this variant remains unclear.